The following is an entry in ClinVar:

NM_014141.6(CNTNAP2):c.*1482A>T

Gene: CNTNAP2 (contactin associated protein 2; plus strand). Cytogenetic location: 7q36.1.
Variant type: single nucleotide variant.
Coding change: c.*1482A>T on transcript NM_014141.6 (MANE Select); 1482 bases downstream of the stop codon, A replaced by T.
Molecular consequence: 3 prime UTR variant.
Genome position (GRCh38, 1-based): chr7:148,417,098, A>T. VCF-style: chr7-148417098-A-T. GRCh37 (hg19) VCF-style: chr7-148114190-A-T.
Identifiers: ClinVar variation 359220 (VCV000359220.6), dbSNP rs186254614, ClinGen allele CA10628476.

ClinVar aggregate classification (germline): Likely benign (1 of 4 stars; one submission).

Conditions:
Cortical dysplasia-focal epilepsy syndrome (PTHSL1). Also called: Pitt-Hopkins-like syndrome 1. Identifiers: Orphanet 163681, Orphanet 221150, MedGen C2750246, MONDO:0012400, OMIM 610042.

Allele frequency attached by ClinVar (database versions not stated): TOPMed 0.00013; gnomAD 0.00018; 1000 Genomes Project 0.00060; 1000 Genomes Project 30x 0.00062.
gnomAD v4.1: 30 of 152,314 alleles (0.02%); highest among the groups gnomAD compares: East Asian, 0.37%; no homozygotes.

Submission:

Illumina Laboratory Services, Illumina
Classification: Likely benign for Cortical dysplasia-focal epilepsy syndrome. Last evaluated: 2018-01-13. Review status: criteria provided, single submitter. Criteria: ICSL Variant Classification Criteria 13 December 2019. Collection method: clinical testing. Allele origin: germline.
Comment: This variant was observed in the ICSL laboratory as part of a predisposition screen in an ostensibly healthy population. It had not been previously curated by ICSL or reported in the Human Gene Mutation Database (HGMD: prior to June 1st, 2018), and was therefore a candidate for classification through an automated scoring system. Utilizing variant allele frequency, disease prevalence and penetrance estimates, and inheritance mode, an automated score was calculated to assess if this variant is too frequent to cause the disease. Based on the score and internal cut-off values, a variant classified as likely benign is not then subjected to further curation. The score for this variant resulted in a classification of likely benign for this disease.